The following is an entry in ClinVar:

ClinVar aggregate classification (germline): Uncertain significance. Review status: criteria provided, multiple submitters, no conflicts (2 of 4 stars). 3 submissions from 3 submitters: Uncertain significance (3). Last evaluated 2026-04-14.

Conditions:
Bardet-Biedl syndrome (BBS). Identifiers: Orphanet 110, MedGen C0752166, MONDO:0015229.
BBS12-related disorder. Also called: BBS12-related condition.
Inborn genetic diseases. Identifiers: MedGen C0950123, MeSH D030342.

Allele frequency attached by ClinVar (database versions not stated): ExAC 0.00002; gnomAD exomes 0.00004 and 0.00005; TOPMed 0.00004; gnomAD 0.00009.

Submissions (3):

PreventionGenetics, part of Exact Sciences
Classification: Uncertain significance for BBS12-related condition. Last evaluated: 2026-04-14. Review status: criteria provided, single submitter. Criteria: ACMG Guidelines, 2015. Collection method: clinical testing. Allele origin: germline.
Comment: The BBS12 c.542C>G variant is predicted to result in the amino acid substitution p.Ser181Cys. To our knowledge, this variant has not been reported in the literature. This variant is reported in 0.020% of alleles in individuals of European (Finnish) descent in gnomAD, including one homozygous individual. At this time, the clinical significance of this variant is uncertain due to the absence of conclusive functional and genetic evidence.

Ambry Genetics
Classification: Uncertain significance for Inborn genetic diseases. Last evaluated: 2023-08-04. Review status: criteria provided, single submitter. Criteria: Ambry Variant Classification Scheme 2023. Collection method: clinical testing. Allele origin: germline.

Labcorp Genetics (formerly Invitae), Labcorp
Classification: Uncertain significance for Bardet-Biedl syndrome. Last evaluated: 2022-02-01. Review status: criteria provided, single submitter. Criteria: Invitae Variant Classification Sherloc (09022015). Collection method: clinical testing. Allele origin: germline.
Comment: This sequence change replaces serine, which is neutral and polar, with cysteine, which is neutral and slightly polar, at codon 181 of the BBS12 protein (p.Ser181Cys). This variant is present in population databases (rs765425168, gnomAD 0.02%), including at least one homozygous and/or hemizygous individual. This variant has not been reported in the literature in individuals affected with BBS12-related conditions. Algorithms developed to predict the effect of missense changes on protein structure and function are either unavailable or do not agree on the potential impact of this missense change (SIFT: "Deleterious"; PolyPhen-2: "Benign"; Align-GVGD: "Class C0"). In summary, the available evidence is currently insufficient to determine the role of this variant in disease. Therefore, it has been classified as a Variant of Uncertain Significance.

NM_152618.3(BBS12):c.542C>G (p.Ser181Cys)

Gene: BBS12 (Bardet-Biedl syndrome 12; plus strand). Cytogenetic location: 4q27.
Variant type: single nucleotide variant.
Coding change: c.542C>G on transcript NM_152618.3 (MANE Select); coding-DNA position 542, C replaced by G.
Protein change: p.Ser181Cys; replaces serine 181 with cysteine.
Molecular consequence: missense variant.
Genome position (GRCh38, 1-based): chr4:122,742,434, C>G. VCF-style: chr4-122742434-C-G. GRCh37 (hg19) VCF-style: chr4-123663589-C-G.
Other names: c.542C>G (NM_152618.2); c.542C>G, p.Ser181Cys (NM_001178007.2); short protein forms S181C.
Identifiers: ClinVar variation 1389376 (VCV001389376.7), dbSNP rs765425168, ClinGen allele CA3069293.